The following is an entry in ClinVar:

NM_001160148.2(DDHD1):c.1794C>T (p.His598=)

Gene: DDHD1 (DDHD domain containing 1; minus strand). Cytogenetic location: 14q22.1.
Variant type: single nucleotide variant.
Coding change: c.1794C>T on transcript NM_001160148.2 (MANE Select); coding-DNA position 1794, C replaced by T.
Protein change: p.His598=; no amino-acid change (histidine 598 retained).
Molecular consequence: synonymous variant.
Genome position (GRCh38, 1-based): chr14:53,061,174, G>A on the plus strand (C>T on the coding strand, the complement: DDHD1 is on the minus strand). VCF-style: chr14-53061174-G-A. GRCh37 (hg19) VCF-style: chr14-53527892-G-A.
Other names: c.1815C>T, p.His605= (NM_001160147.2); c.1794C>T, p.His598= (NM_030637.3).
Identifiers: ClinVar variation 391323 (VCV000391323.28), dbSNP rs752148702, ClinGen allele CA7191128.

ClinVar aggregate classification (germline): Likely benign. Review status: criteria provided, multiple submitters, no conflicts (2 of 4 stars). 3 submissions from 3 submitters: Likely benign (3). Last evaluated 2025-02-12.

Conditions:
Hereditary spastic paraplegia 28. Also called: Spastic paraplegia 28, autosomal recessive. Identifiers: Orphanet 101008, MedGen C1836295, MONDO:0012256, OMIM 609340.

Allele frequency attached by ClinVar (database versions not stated): gnomAD 0.00001; TOPMed 0.00001; ExAC 0.00002; gnomAD exomes 0.00002.
gnomAD v4.1: 30 of 1,611,018 alleles (0.0019%); highest among the groups gnomAD compares: Middle Eastern, 0.033%; no homozygotes.

Submissions (3):

Labcorp Genetics (formerly Invitae), Labcorp
Classification: Likely benign for Hereditary spastic paraplegia 28. Last evaluated: 2025-02-12. Review status: criteria provided, single submitter. Criteria: Invitae Variant Classification Sherloc (09022015). Collection method: clinical testing. Allele origin: germline.

CeGaT Center for Human Genetics Tuebingen
Classification: Likely benign. Last evaluated: 2023-12-01. Review status: criteria provided, single submitter. Criteria: CeGaT Center For Human Genetics Tuebingen Variant Classification Criteria Version 2. Collection method: clinical testing. Allele origin: germline. Affected: yes. Observed: 3 variant alleles.
Comment: DDHD1: BP4, BP7

GeneDx
Classification: Likely benign. Last evaluated: 2016-12-02. Review status: criteria provided, single submitter. Criteria: GeneDx Variant Classification (06012015). Collection method: clinical testing. Allele origin: germline. Affected: yes.
Comment: This variant is considered likely benign or benign based on one or more of the following criteria: it is a conservative change, it occurs at a poorly conserved position in the protein, it is predicted to be benign by multiple in silico algorithms, and/or has population frequency not consistent with disease.